The following is an entry in ClinVar:

ClinVar aggregate classification (germline): Uncertain significance. Review status: criteria provided, multiple submitters, no conflicts (2 of 4 stars). 2 submissions from 2 submitters: Uncertain significance (2). Last evaluated 2025-01-19.

Conditions:
Inborn genetic diseases. Identifiers: MedGen C0950123, MeSH D030342.

Allele frequency attached by ClinVar (database versions not stated): gnomAD 0.00001.
gnomAD v4.1: 1 of 1,613,866 alleles (0.000062%); highest among the groups gnomAD compares: Non-Finnish European, 0.000085%; no homozygotes.

Submissions (2):

Ambry Genetics
Classification: Uncertain significance for Inborn genetic diseases. Last evaluated: 2025-01-19. Review status: criteria provided, single submitter. Criteria: Ambry Variant Classification Scheme 2023. Collection method: clinical testing. Allele origin: germline.

CeGaT Center for Human Genetics Tuebingen
Classification: Uncertain significance. Last evaluated: 2023-06-01. Review status: criteria provided, single submitter. Criteria: CeGaT Center For Human Genetics Tuebingen Variant Classification Criteria Version 2. Collection method: clinical testing. Allele origin: germline. Affected: yes. Observed: 1 variant allele.
Comment: ANK3: PM2, BP4

NM_020987.5(ANK3):c.11950G>A (p.Val3984Ile)

Gene: ANK3 (ankyrin 3; minus strand). Cytogenetic location: 10q21.2.
Variant type: single nucleotide variant.
Coding change: c.11950G>A on transcript NM_020987.5 (MANE Select); coding-DNA position 11950, G replaced by A.
Protein change: p.Val3984Ile; replaces valine 3984 with isoleucine.
Molecular consequence: missense variant. On other transcripts: intron variant (4).
Genome position (GRCh38, 1-based): chr10:60,068,931, C>T on the plus strand (G>A on the coding strand, the complement: ANK3 is on the minus strand). VCF-style: chr10-60068931-C-T. GRCh37 (hg19) VCF-style: chr10-61828689-C-T.
Other names: c.11950G>A (NM_020987.3); c.4388-922G>A (NM_001204403.2); c.4409-922G>A (NM_001204404.2); c.4406-922G>A (NM_001320874.2); c.1808-922G>A (NM_001149.4); short protein forms V3984I.
Identifiers: ClinVar variation 2640486 (VCV002640486.25), dbSNP rs1218864749, ClinGen allele CA376995615.